The following is an entry in ClinVar:

ClinVar aggregate classification (germline): Uncertain significance (1 of 4 stars; one submission).

Conditions:
Oto-palato-digital syndrome, type II (OPD2). Also called: FACIOPALATOOSSEOUS SYNDROME; OPD II SYNDROME; Otopalatodigital Syndrome, Type II; Otopalatodigital Syndrome Type 2 (FLNA-OPD2). Identifiers: Orphanet 669, Orphanet 90652, MedGen C1844696, MONDO:0010571, OMIM 304120.
Heterotopia, periventricular, X-linked dominant (PVNH1). Also called: PERIVENTRICULAR NODULAR HETEROTOPIA 1; X-linked periventricular heterotopia; PERIVENTRICULAR NODULAR HETEROTOPIA 4; HETEROTOPIA, PERIVENTRICULAR, 1. Identifiers: Orphanet 2149, Orphanet 82004, MedGen C1848213, MONDO:0010233, OMIM 300049.
Frontometaphyseal dysplasia (FMD1). Identifiers: Orphanet 1826, MedGen C0265293, MONDO:0015942.
Melnick-Needles syndrome (MNS). Also called: MELNICK-NEEDLES OSTEODYSPLASTY; OSTEODYSPLASTY OF MELNICK AND NEEDLES; Melnick-Needles Syndrome (FLNA-MNS). Identifiers: Orphanet 2484, MedGen C0025237, MONDO:0010650, OMIM 309350.

Submission:

Labcorp Genetics (formerly Invitae), Labcorp
Classification: Uncertain significance for Oto-palato-digital syndrome, type II; Heterotopia, periventricular, X-linked dominant; Frontometaphyseal dysplasia; Melnick-Needles syndrome. Last evaluated: 2023-01-26. Review status: criteria provided, single submitter. Criteria: Invitae Variant Classification Sherloc (09022015). Collection method: clinical testing. Allele origin: germline.
Comment: This sequence change replaces valine, which is neutral and non-polar, with alanine, which is neutral and non-polar, at codon 537 of the FLNA protein (p.Val537Ala). In summary, the available evidence is currently insufficient to determine the role of this variant in disease. Therefore, it has been classified as a Variant of Uncertain Significance. Advanced modeling of protein sequence and biophysical properties (such as structural, functional, and spatial information, amino acid conservation, physicochemical variation, residue mobility, and thermodynamic stability) performed at Invitae indicates that this missense variant is not expected to disrupt FLNA protein function. This variant has not been reported in the literature in individuals affected with FLNA-related conditions. This variant is not present in population databases (gnomAD no frequency).

NM_001110556.2(FLNA):c.1610T>C (p.Val537Ala)

Gene: FLNA (filamin A; minus strand). Cytogenetic location: Xq28.
Variant type: single nucleotide variant.
Coding change: c.1610T>C on transcript NM_001110556.2 (MANE Select); coding-DNA position 1610, T replaced by C.
Protein change: p.Val537Ala; replaces valine 537 with alanine.
Molecular consequence: missense variant.
Genome position (GRCh38, 1-based): chrX:154,365,217, A>G on the plus strand (T>C on the coding strand, the complement: FLNA is on the minus strand). VCF-style: chrX-154365217-A-G. GRCh37 (hg19) VCF-style: chrX-153593585-A-G.
Other names: c.1610T>C, p.Val537Ala (NM_001456.4); short protein forms V537A.
Identifiers: ClinVar variation 2943644 (VCV002943644.3), dbSNP rs2522757082, ClinGen allele CA415243193.